The following is an entry in ClinVar:

NM_001243133.2(NLRP3):c.2618T>A (p.Leu873Ter)

Gene: NLRP3 (NLR family pyrin domain containing 3; plus strand). Cytogenetic location: 1q44.
Variant type: single nucleotide variant.
Coding change: c.2618T>A on transcript NM_001243133.2 (MANE Select); coding-DNA position 2618, T replaced by A.
Protein change: p.Leu873Ter; replaces leucine 873 with a stop codon.
Molecular consequence: nonsense. On other transcripts: genic downstream transcript variant (2).
Genome position (GRCh38, 1-based): chr1:247,436,095, T>A. VCF-style: chr1-247436095-T-A. GRCh37 (hg19) VCF-style: chr1-247599397-T-A.
Other names: c.2447T>A, p.Leu816Ter (NM_001127462.3); c.2624T>A, p.Leu875Ter (NM_004895.5); c.2492+1822T>A (NM_001127461.3); c.2321+1822T>A (NM_183395.3); c.2618T>A, p.Leu873Ter (NM_001079821.3); short protein forms L873*, L816*, L875*.
Identifiers: ClinVar variation 2769632 (VCV002769632.3), dbSNP rs1572205985, ClinGen allele CA345562387.

ClinVar aggregate classification (germline): Uncertain significance (1 of 4 stars; one submission).

Conditions:
Cryopyrin associated periodic syndrome (CAPS). Identifiers: Orphanet 208650, MedGen C2316212, MONDO:0016168.

Submission:

Labcorp Genetics (formerly Invitae), Labcorp
Classification: Uncertain significance for Cryopyrin associated periodic syndrome. Last evaluated: 2025-07-28. Review status: criteria provided, single submitter. Criteria: Invitae Variant Classification Sherloc (09022015). Collection method: clinical testing. Allele origin: germline.
Comment: This sequence change creates a premature translational stop signal (p.Leu875*) in the NLRP3 gene. It is expected to result in an absent or disrupted protein product. However, the current clinical and genetic evidence is not sufficient to establish whether loss-of-function variants in NLRP3 cause disease. This variant is not present in population databases (gnomAD no frequency). This variant has not been reported in the literature in individuals affected with NLRP3-related conditions. ClinVar contains an entry for this variant (Variation ID: 2769632). Algorithms developed to predict the effect of sequence changes on RNA splicing suggest that this variant may disrupt the consensus splice site. In summary, the available evidence is currently insufficient to determine the role of this variant in disease. Therefore, it has been classified as a Variant of Uncertain Significance.